The following is an entry in ClinVar:

ClinVar aggregate classification (germline): Pathogenic (1 of 4 stars; one submission).

Allele frequency attached by ClinVar (database versions not stated): gnomAD exomes below 0.00001.

Submission:

GeneDx
Classification: Pathogenic. Last evaluated: 2017-12-13. Review status: criteria provided, single submitter. Criteria: GeneDx Variant Classification (06012015). Collection method: clinical testing. Allele origin: germline. Affected: yes.
Comment: The c.1587delC variant in the TUBGCP6 gene has not been reported previously as a pathogenic variant nor as a benign variant, to our knowledge. The c.1587delC variant causes a frameshift starting with codon Cysteine 529, changes this amino acid to a Tryptophan residue, and creates a premature Stop codon at position 25 of the new reading frame, denoted p.Cys529TrpfsX25. This variant is predicted to cause loss of normal protein function either through protein truncation or nonsense-mediated mRNA decay. The c.1587delC variant is not observed in large population cohorts (Lek et al., 2016). We interpret c.1587delC as a pathogenic variant.

NM_020461.4(TUBGCP6):c.1587del (p.Cys529fs)

Gene: TUBGCP6 (tubulin gamma complex component 6; minus strand). Cytogenetic location: 22q13.33.
Variant type: Deletion.
Coding change: c.1587del on transcript NM_020461.4 (MANE Select); coding-DNA position 1587, one base deleted (C; older notation c.1587delC).
Protein change: p.Cys529fs; shifts the reading frame from cysteine 529.
Molecular consequence: frameshift variant.
Genome position (GRCh38, 1-based): chr22:50,226,747, G deleted on the plus strand (C on the coding strand, the reverse complement: TUBGCP6 is on the minus strand). VCF-style (leftmost placement, unchanged base first): chr22-50226746-CG-C. GRCh37 (hg19) VCF-style: chr22-50665175-CG-C.
Other names: short protein forms C529fs.
Identifiers: ClinVar variation 503899 (VCV000503899.2), dbSNP rs1555908577, ClinGen allele CA658799573.